The following is an entry in ClinVar:

NC_000011.9:g.(64955512_64955884)_(64956218_64972153)del

Gene: CAPN1 (calpain 1; plus strand). Cytogenetic location: 11q13.1.
Variant type: Deletion.
Identifiers: ClinVar variation 4847518 (VCV004847518.1).

ClinVar aggregate classification (germline): Pathogenic (1 of 4 stars; one submission).

Conditions:
Autosomal recessive spastic paraplegia type 76. Identifiers: Orphanet 488594, MedGen C5567483, MONDO:0014827, OMIM 616907.

Submission:

Women's Health and Genetics/Laboratory Corporation of America, LabCorp
Classification: Pathogenic for Autosomal recessive spastic paraplegia type 76. Last evaluated: 2026-03-03. Review status: criteria provided, single submitter. Criteria: LabCorp Variant Classification Summary - May 2015. Collection method: clinical testing. Allele origin: germline.
Comment: Variant summary: The variant involves the deletion of exons 9-10 in the CAPN1 gene. A presumed nomenclature of c.(929+1_930-1)_(1165+1_1166-1)del has been designated for the purposes of this classification. This Copy Number Variant (CNV) is expected to alter the reading frame and predicted to result in a truncation or absence of the encoded protein due to nonsense mediated decay (NMD). Loss-of-function variants in this gene are known to be pathogenic. The variant was absent in 21680 control chromosomes. To our knowledge, no occurrence of c.(929+1_930-1)_(1165+1_1166-1)del in individuals affected with CAPN1-related conditions and no experimental evidence demonstrating its impact on protein function have been reported. No submitters have cited clinical-significance assessments for this variant to ClinVar. Based on the evidence outlined above, the variant was classified as pathogenic.